The following is an entry in ClinVar:

ClinVar aggregate classification (germline): Uncertain significance (1 of 4 stars; one submission).

Conditions:
Dilated cardiomyopathy 1DD (CMD1DD). Identifiers: Orphanet 154, MedGen C2750995, MONDO:0013168, OMIM 613172.

Submission:

Labcorp Genetics (formerly Invitae), Labcorp
Classification: Uncertain significance for Dilated cardiomyopathy 1DD. Last evaluated: 2022-05-21. Review status: criteria provided, single submitter. Criteria: Invitae Variant Classification Sherloc (09022015). Collection method: clinical testing. Allele origin: germline.
Comment: This variant has not been reported in the literature in individuals affected with RBM20-related conditions. In summary, the available evidence is currently insufficient to determine the role of this variant in disease. Therefore, it has been classified as a Variant of Uncertain Significance. Advanced modeling of protein sequence and biophysical properties (such as structural, functional, and spatial information, amino acid conservation, physicochemical variation, residue mobility, and thermodynamic stability) performed at Invitae indicates that this missense variant is not expected to disrupt RBM20 protein function. This variant is not present in population databases (gnomAD no frequency). This sequence change replaces leucine, which is neutral and non-polar, with arginine, which is basic and polar, at codon 1019 of the RBM20 protein (p.Leu1019Arg).

NM_001134363.3(RBM20):c.3056T>G (p.Leu1019Arg)

Gene: RBM20 (RNA binding motif protein 20; plus strand). Cytogenetic location: 10q25.2.
Variant type: single nucleotide variant.
Coding change: c.3056T>G on transcript NM_001134363.3 (MANE Select); coding-DNA position 3056, T replaced by G.
Protein change: p.Leu1019Arg; replaces leucine 1019 with arginine.
Molecular consequence: missense variant.
Genome position (GRCh38, 1-based): chr10:110,821,675, T>G. VCF-style: chr10-110821675-T-G. GRCh37 (hg19) VCF-style: chr10-112581433-T-G.
Other names: short protein forms L1019R.
Identifiers: ClinVar variation 2183583 (VCV002183583.4), dbSNP rs2493494656, ClinGen allele CA378380402.